The following is an entry in ClinVar:

ClinVar aggregate classification (germline): Likely benign. Review status: criteria provided, multiple submitters, no conflicts (2 of 4 stars). 3 submissions from 3 submitters: Likely benign (2). 1 of the submissions does not count toward it. Last evaluated 2025-11-26.

Conditions:
RECQL4-related disorder. Also called: RECQL4-related disorders; RECQL4-related condition.
Baller-Gerold syndrome (BGS). Also called: CRANIOSYNOSTOSIS WITH RADIAL DEFECTS. Identifiers: Orphanet 1225, MedGen C0265308, MONDO:0009039, OMIM 218600.

Allele frequency attached by ClinVar (database versions not stated): TOPMed 0.00016; ESP Exome Variant Server 0.00023; ExAC 0.00007.
gnomAD v4.1: 39 of 1,606,582 alleles (0.0024%); highest among the groups gnomAD compares: African/African-American, 0.039%; no homozygotes.

Submissions (3):

Labcorp Genetics (formerly Invitae), Labcorp
Classification: Likely benign for Baller-Gerold syndrome. Last evaluated: 2025-11-26. Review status: criteria provided, single submitter. Criteria: Invitae Variant Classification Sherloc (09022015). Collection method: clinical testing. Allele origin: germline.

Blueprint Genetics
Classification: Likely benign. Last evaluated: 2024-03-18. Review status: criteria provided, single submitter. Criteria: ACMG Guidelines, 2015. Collection method: clinical testing. Allele origin: germline.

PreventionGenetics, part of Exact Sciences
Classification: Likely benign for RECQL4-related condition. Last evaluated: 2019-09-23. Review status: no assertion criteria provided. Collection method: clinical testing. Allele origin: germline. Not counted in ClinVar's aggregate classification.
Comment: This variant is classified as likely benign based on ACMG/AMP sequence variant interpretation guidelines (Richards et al. 2015 PMID: 25741868, with internal and published modifications).

NM_004260.4(RECQL4):c.1491C>T (p.Ser497=)

Gene: RECQL4 (RecQ like helicase 4; minus strand). Cytogenetic location: 8q24.3.
Variant type: single nucleotide variant.
Coding change: c.1491C>T on transcript NM_004260.4 (MANE Select); coding-DNA position 1491, C replaced by T.
Protein change: p.Ser497=; no amino-acid change (serine 497 retained).
Molecular consequence: synonymous variant.
Genome position (GRCh38, 1-based): chr8:144,515,065, G>A on the plus strand (C>T on the coding strand, the complement: RECQL4 is on the minus strand). VCF-style: chr8-144515065-G-A. GRCh37 (hg19) VCF-style: chr8-145740449-G-A.
Identifiers: ClinVar variation 414193 (VCV000414193.13), dbSNP rs369306389, ClinGen allele CA4948824.